The following is an entry in ClinVar:

ClinVar aggregate classification (germline): Uncertain significance. Review status: criteria provided, multiple submitters, no conflicts (2 of 4 stars). 2 submissions from 2 submitters: Uncertain significance (2). Last evaluated 2025-09-26.

Conditions:
Inborn genetic diseases. Identifiers: MedGen C0950123, MeSH D030342.

Allele frequency attached by ClinVar (database versions not stated): ExAC 0.00001; TOPMed 0.00001; gnomAD 0.00001; gnomAD exomes 0.00001.
gnomAD v4.1: 7 of 1,614,072 alleles (0.00043%); highest among the groups gnomAD compares: Admixed American, 0.0083%; no homozygotes.

Submissions (2):

Ambry Genetics
Classification: Uncertain significance for Inborn genetic diseases. Last evaluated: 2025-09-26. Review status: criteria provided, single submitter. Criteria: Ambry Variant Classification Scheme 2023. Collection method: clinical testing. Allele origin: germline.

Labcorp Genetics (formerly Invitae), Labcorp
Classification: Uncertain significance. Last evaluated: 2022-06-27. Review status: criteria provided, single submitter. Criteria: Invitae Variant Classification Sherloc (09022015). Collection method: clinical testing. Allele origin: germline.
Comment: This sequence change replaces glutamine, which is neutral and polar, with arginine, which is basic and polar, at codon 717 of the EIF2AK3 protein (p.Gln717Arg). This variant is present in population databases (rs768007461, gnomAD 0.006%). This variant has not been reported in the literature in individuals affected with EIF2AK3-related conditions. Algorithms developed to predict the effect of missense changes on protein structure and function output the following: SIFT: "Tolerated"; PolyPhen-2: "Benign"; Align-GVGD: "Class C0". The arginine amino acid residue is found in multiple mammalian species, which suggests that this missense change does not adversely affect protein function. In summary, the available evidence is currently insufficient to determine the role of this variant in disease. Therefore, it has been classified as a Variant of Uncertain Significance.

NM_004836.7(EIF2AK3):c.2150A>G (p.Gln717Arg)

Genes: EIF2AK3 (eukaryotic translation initiation factor 2 alpha kinase 3; minus strand), EIF2AK3-AS1 (EIF2AK3 antisense RNA 1; plus strand). Cytogenetic location: 2p11.2.
Variant type: single nucleotide variant.
Coding change: c.2150A>G on transcript NM_004836.7 (MANE Select); coding-DNA position 2150, A replaced by G.
Protein change: p.Gln717Arg; replaces glutamine 717 with arginine.
Molecular consequence: missense variant. On other transcripts: non-coding transcript variant (1).
Genome position (GRCh38, 1-based): chr2:88,575,333, T>C on the plus strand (A>G on the coding strand, the complement: EIF2AK3 is on the minus strand). VCF-style: chr2-88575333-T-C. GRCh37 (hg19) VCF-style: chr2-88874851-T-C.
Other names: c.2150A>G (NM_004836.5); c.1697A>G, p.Gln566Arg (NM_001313915.2); short protein forms Q717R, Q566R.
Identifiers: ClinVar variation 1440267 (VCV001440267.6), dbSNP rs768007461, ClinGen allele CA1754494.